The following is an entry in ClinVar:

NM_194248.3(OTOF):c.26_35del (p.Thr9fs)

Gene: OTOF (otoferlin; minus strand). Cytogenetic location: 2p23.3.
Variant type: Deletion.
Coding change: c.26_35del on transcript NM_194248.3 (MANE Select); coding-DNA positions 26 to 35, 10 bases deleted (CAGTCTCGGA; older notation c.26_35delCAGTCTCGGA).
Protein change: p.Thr9fs; shifts the reading frame from threonine 9.
Molecular consequence: frameshift variant.
Genome position (GRCh38, 1-based): chr2:26,558,537-26,558,546, TCCGAGACTG deleted on the plus strand (CAGTCTCGGA on the coding strand, the reverse complement: OTOF is on the minus strand); deleting any 10 consecutive bases within chr2:26,558,537-26,558,548 gives the same sequence; the c. name uses the placement nearest the transcript's 3' end. VCF-style (leftmost placement, unchanged base first): chr2-26558536-CTCCGAGACTG-C. GRCh37 (hg19) VCF-style: chr2-26781404-CTCCGAGACTG-C.
Other names: c.26_35del, p.Thr9fs (NM_001287489.2); short protein forms T9fs.
Identifiers: ClinVar variation 5006274 (VCV005006274.2).

ClinVar aggregate classification (germline): Likely pathogenic (1 of 4 stars; one submission).

Conditions:
Autosomal recessive nonsyndromic hearing loss 9. Also called: Deafness, autosomal recessive 9; OTOF-Related Hearing Loss; AUDITORY NEUROPATHY, AUTOSOMAL RECESSIVE, 1, TEMPERATURE-SENSITIVE; NEUROSENSORY NONSYNDROMIC RECESSIVE DEAFNESS 9. Identifiers: Orphanet 90636, MedGen C1832828, MONDO:0010986, OMIM 601071.

Submission:

Juno Genomics, Hangzhou Juno Genomics, Inc
Classification: Likely pathogenic for Autosomal recessive nonsyndromic hearing loss 9. Review status: criteria provided, single submitter. Criteria: ACMG Guidelines, 2015. Collection method: clinical testing. Allele origin: germline.
Comment: Null variant in a gene where loss of function (LOF) is a known mechanism of disease.;Absent from controls (or at extremely low frequency if recessive) in Genome Aggregation Database.